The following is an entry in ClinVar:

NM_001300.6(KLF6):c.676+106G>A

Gene: KLF6 (KLF transcription factor 6; minus strand). Cytogenetic location: 10p15.2.
Variant type: single nucleotide variant.
Coding change: c.676+106G>A on transcript NM_001300.6 (MANE Select); 106 bases into the intron after coding-DNA position 676, G replaced by A.
Molecular consequence: intron variant.
Genome position (GRCh38, 1-based): chr10:3,781,535, C>T on the plus strand (G>A on the coding strand, the complement: KLF6 is on the minus strand). VCF-style: chr10-3781535-C-T. GRCh37 (hg19) VCF-style: chr10-3823727-C-T.
Other names: c.550+232G>A (NM_001160124.2); c.676+106G>A (NM_001160125.2).
Identifiers: ClinVar variation 133350 (VCV000133350.1), dbSNP rs539379766, ClinGen allele CA156440.

ClinVar aggregate classification (germline): not provided (0 of 4 stars; one submission).

Allele frequency attached by ClinVar (database versions not stated): gnomAD exomes 0.00007 and 0.00013; ExAC 0.00046; gnomAD 0.00074 and 0.00078; TOPMed 0.00091; 1000 Genomes Project 30x 0.00109; 1000 Genomes Project 0.00140.
gnomAD v4.1: 222 of 1,560,402 alleles (0.014%); highest among the groups gnomAD compares: African/African-American, 0.26%; no homozygotes.

Submission:

ITMI
No classification provided. Condition: AllHighlyPenetrant. Last evaluated: 2013-09-19. Review status: no classification provided. Collection method: reference population. Allele origin: germline.
Comment: Please see associated publication for description of ethnicities

Literature cited by the submitters: PubMed 24728327.